The following is an entry in ClinVar:

NM_003872.3(NRP2):c.1258C>T (p.Leu420Phe)

Gene: NRP2 (neuropilin 2; plus strand). Cytogenetic location: 2q33.3.
Variant type: single nucleotide variant.
Coding change: c.1258C>T on transcript NM_003872.3 (MANE Select); coding-DNA position 1258, C replaced by T.
Protein change: p.Leu420Phe; replaces leucine 420 with phenylalanine.
Molecular consequence: missense variant.
Genome position (GRCh38, 1-based): chr2:205,740,630, C>T. VCF-style: chr2-205740630-C-T. GRCh37 (hg19) VCF-style: chr2-206605354-C-T.
Other names: c.1258C>T, p.Leu420Phe (NM_018534.4, NM_201264.2, NM_201266.2 and 2 more transcripts); short protein forms L420F.
Identifiers: ClinVar variation 4995789 (VCV004995789.1).

ClinVar aggregate classification (germline): Uncertain significance (1 of 4 stars; one submission).

Conditions:
NRP2-related disorder. Also called: NRP2-related condition.

gnomAD v4.1: 2 of 1,614,236 alleles (0.00012%); highest among the groups gnomAD compares: Non-Finnish European, 0.00017%; no homozygotes.

Submission:

PreventionGenetics, part of Exact Sciences
Classification: Uncertain significance for NRP2-related condition. Last evaluated: 2026-04-21. Review status: criteria provided, single submitter. Criteria: ACMG Guidelines, 2015. Collection method: clinical testing. Allele origin: germline.
Comment: The NRP2 c.1258C>T variant is predicted to result in the amino acid substitution p.Leu420Phe. To our knowledge, this variant has not been reported in the literature or in a large population database (gnomAD), indicating this variant is rare. At this time, the clinical significance of this variant is uncertain due to the absence of conclusive functional and genetic evidence.